The following is an entry in ClinVar:

ClinVar aggregate classification (germline): Uncertain significance (1 of 4 stars; one submission).

Allele frequency attached by ClinVar (database versions not stated): gnomAD exomes 0.00002.
gnomAD v4.1: 13 of 1,609,644 alleles (0.00081%); highest among the groups gnomAD compares: East Asian, 0.029%; no homozygotes.

Submission:

Labcorp Genetics (formerly Invitae), Labcorp
Classification: Uncertain significance. Last evaluated: 2021-12-27. Review status: criteria provided, single submitter. Criteria: Invitae Variant Classification Sherloc (09022015). Collection method: clinical testing. Allele origin: germline.
Comment: In summary, the available evidence is currently insufficient to determine the role of this variant in disease. Therefore, it has been classified as a Variant of Uncertain Significance. Algorithms developed to predict the effect of sequence changes on RNA splicing suggest that this variant may create or strengthen a splice site. Algorithms developed to predict the effect of missense changes on protein structure and function (SIFT, PolyPhen-2, Align-GVGD) all suggest that this variant is likely to be tolerated. This missense change has been observed in individual(s) with CHD8-related conditions (PMID: 30564305). This variant is present in population databases (no rsID available, gnomAD 0.006%). This sequence change replaces leucine, which is neutral and non-polar, with valine, which is neutral and non-polar, at codon 801 of the CHD8 protein (p.Leu801Val).

Literature cited by the submitters: PubMed 30564305.

NM_001170629.2(CHD8):c.2401C>G (p.Leu801Val)

Gene: CHD8 (chromodomain helicase DNA binding protein 8; minus strand). Cytogenetic location: 14q11.2.
Variant type: single nucleotide variant.
Coding change: c.2401C>G on transcript NM_001170629.2 (MANE Select); coding-DNA position 2401, C replaced by G.
Protein change: p.Leu801Val; replaces leucine 801 with valine.
Molecular consequence: missense variant.
Genome position (GRCh38, 1-based): chr14:21,408,789, G>C on the plus strand (C>G on the coding strand, the complement: CHD8 is on the minus strand). VCF-style: chr14-21408789-G-C. GRCh37 (hg19) VCF-style: chr14-21876948-G-C.
Other names: c.1564C>G, p.Leu522Val (NM_020920.4); short protein forms L522V, L801V.
Identifiers: ClinVar variation 2159527 (VCV002159527.4), dbSNP rs988459007, ClinGen allele CA257546207.